The following is an entry in ClinVar:

NM_022114.4(PRDM16):c.2295C>T (p.Gly765=)

Gene: PRDM16 (PR/SET domain 16; plus strand). Cytogenetic location: 1p36.32.
Variant type: single nucleotide variant.
Coding change: c.2295C>T on transcript NM_022114.4 (MANE Select); coding-DNA position 2295, C replaced by T.
Protein change: p.Gly765=; no amino-acid change (glycine 765 retained).
Molecular consequence: synonymous variant.
Genome position (GRCh38, 1-based): chr1:3,412,492, C>T. VCF-style: chr1-3412492-C-T. GRCh37 (hg19) VCF-style: chr1-3329056-C-T.
Other names: c.2295C>T, p.Gly765= (NM_199454.3).
Identifiers: ClinVar variation 702930 (VCV000702930.40), dbSNP rs376224745, ClinGen allele CA544439.

ClinVar aggregate classification (germline): Likely benign. Review status: criteria provided, multiple submitters, no conflicts (2 of 4 stars). 6 submissions from 6 submitters: Likely benign (5). 1 of the submissions does not count toward it. Last evaluated 2025-12-09.

Conditions:
PRDM16-related disorder. Also called: PRDM16-related condition.
Left ventricular noncompaction 8 (LVNC8). Identifiers: Orphanet 154, Orphanet 54260, MedGen C3809288, MONDO:0014152, OMIM 615373.

Allele frequency attached by ClinVar (database versions not stated): ExAC 0.00003; gnomAD exomes 0.00004 and 0.00011; gnomAD 0.00005 and 0.00006; TOPMed 0.00006; ESP Exome Variant Server 0.00008.
gnomAD v4.1: 163 of 1,613,158 alleles (0.01%); highest among the groups gnomAD compares: Middle Eastern, 0.016%; no homozygotes.

Submissions (6):

Labcorp Genetics (formerly Invitae), Labcorp
Classification: Likely benign for Left ventricular noncompaction 8. Last evaluated: 2025-12-09. Review status: criteria provided, single submitter. Criteria: Invitae Variant Classification Sherloc (09022015). Collection method: clinical testing. Allele origin: germline.

Women's Health and Genetics/Laboratory Corporation of America, LabCorp
Classification: Likely benign. Last evaluated: 2023-12-10. Review status: criteria provided, single submitter. Criteria: LabCorp Variant Classification Summary - May 2015. Collection method: clinical testing. Allele origin: germline.

Blueprint Genetics
Classification: Likely benign. Last evaluated: 2023-12-05. Review status: criteria provided, single submitter. Criteria: ACMG Guidelines, 2015. Collection method: clinical testing. Allele origin: germline.

CeGaT Center for Human Genetics Tuebingen
Classification: Likely benign. Last evaluated: 2023-03-01. Review status: criteria provided, single submitter. Criteria: CeGaT Center For Human Genetics Tuebingen Variant Classification Criteria Version 2. Collection method: clinical testing. Allele origin: germline. Affected: yes. Observed: 1 variant allele.
Comment: PRDM16: BP4, BP7

GeneDx
Classification: Likely benign. Last evaluated: 2019-11-26. Review status: criteria provided, single submitter. Criteria: GeneDx Variant Classification Process June 2021. Collection method: clinical testing. Allele origin: germline. Affected: yes.

PreventionGenetics, part of Exact Sciences
Classification: Likely benign for PRDM16-related condition. Last evaluated: 2023-06-26. Review status: no assertion criteria provided. Collection method: clinical testing. Allele origin: germline. Not counted in ClinVar's aggregate classification.
Comment: This variant is classified as likely benign based on ACMG/AMP sequence variant interpretation guidelines (Richards et al. 2015 PMID: 25741868, with internal and published modifications).